The following is an entry in ClinVar:

ClinVar aggregate classification (germline): Uncertain significance (1 of 4 stars; one submission).

Submission:

GeneDx
Classification: Uncertain significance. Last evaluated: 2019-04-10. Review status: criteria provided, single submitter. Criteria: GeneDx Variant Classification Process June 2021. Collection method: clinical testing. Allele origin: germline. Affected: yes.
Comment: Not observed in large population cohorts (Lek et al., 2016); In silico analysis, which includes protein predictors and evolutionary conservation, supports a deleterious effect; Has not been previously published as pathogenic or benign to our knowledge

NM_001378615.1(CC2D2A):c.3320T>G (p.Phe1107Cys)

Genes: CC2D2A (coiled-coil and C2 domain containing 2A; plus strand), FBXL5 (F-box and leucine rich repeat protein 5; minus strand). Cytogenetic location: 4p15.32.
Variant type: single nucleotide variant.
Coding change: c.3320T>G on transcript NM_001378615.1 (MANE Select); coding-DNA position 3320, T replaced by G.
Protein change: p.Phe1107Cys; replaces phenylalanine 1107 with cysteine.
Molecular consequence: missense variant.
Genome position (GRCh38, 1-based): chr4:15,567,708, T>G. VCF-style: chr4-15567708-T-G. GRCh37 (hg19) VCF-style: chr4-15569331-T-G.
Other names: c.3320T>G, p.Phe1107Cys (NM_001080522.2); c.3173T>G, p.Phe1058Cys (NM_001378617.1); short protein forms F1107C, F1058C.
Identifiers: ClinVar variation 279738 (VCV000279738.4), dbSNP rs886041156, ClinGen allele CA10602920.
Genomic context (GRCh38, chr4:15,567,708, plus strand): 5'-GGAACTCAGAATTTGCTCTTGATTTTAAGGTTTTAGTACGTCCCTTTGTAGAAGTCTCTT[T>G]TCAACGAACAGTTTGCCATACGACTACGGCTGAAGGACCAAACCCTAGCTGGAATGAAGA-3'
Protein context (NP_001365544.1, residues 1097-1117): VLVRPFVEVS[Phe1107Cys]QRTVCHTTTA